The following is an entry in ClinVar:

NM_002241.5(KCNJ10):c.*2394T>C

Gene: KCNJ10 (potassium inwardly rectifying channel subfamily J member 10; minus strand). Cytogenetic location: 1q23.2.
Variant type: single nucleotide variant.
Coding change: c.*2394T>C on transcript NM_002241.5 (MANE Select); 2394 bases downstream of the stop codon, T replaced by C.
Molecular consequence: 3 prime UTR variant.
Genome position (GRCh38, 1-based): chr1:160,038,999, A>G on the plus strand (T>C on the coding strand, the complement: KCNJ10 is on the minus strand). VCF-style: chr1-160038999-A-G. GRCh37 (hg19) VCF-style: chr1-160008789-A-G.
Identifiers: ClinVar variation 293088 (VCV000293088.5), dbSNP rs116235450, ClinGen allele CA10608069.

ClinVar aggregate classification (germline): Conflicting classifications of pathogenicity. Review status: criteria provided, conflicting classifications (1 of 4 stars). 2 submissions from 1 submitter: Uncertain significance (1); Benign (1). Last evaluated 2018-01-12.

Conditions:
EAST syndrome (SESAMES). Also called: SEIZURES, SENSORINEURAL DEAFNESS, ATAXIA, IMPAIRED INTELLECTUAL DEVELOPMENT, AND ELECTROLYTE IMBALANCE. Identifiers: Orphanet 199343, MedGen C2748572, MONDO:0013005, OMIM 612780.
Autosomal recessive nonsyndromic hearing loss 4 (DFNB4). Also called: FOXI1-Related Pendred Syndrome; KCNJ10-Related Pendred Syndrome; DEAFNESS, AUTOSOMAL RECESSIVE 4, WITH ENLARGED VESTIBULAR AQUEDUCT, DIGENIC; NEUROSENSORY NONSYNDROMIC RECESSIVE DEAFNESS 4; Nonsyndromic enlarged vestibular aqueduct (NSEVA); Deafness, autosomal recessive 4, with enlarged vestibular aqueduct. Identifiers: Orphanet 90636, MedGen C3538946, MONDO:0010933, OMIM 600791.

Allele frequency attached by ClinVar (database versions not stated): 1000 Genomes Project 0.00539; 1000 Genomes Project 30x 0.00593; TOPMed 0.00643.

Submissions (2):

Illumina Laboratory Services, Illumina
Classification: Uncertain significance for Autosomal recessive nonsyndromic hearing loss 4. Last evaluated: 2018-01-12. Review status: criteria provided, single submitter. Criteria: ICSL Variant Classification Criteria 13 December 2019. Collection method: clinical testing. Allele origin: germline.

Illumina Laboratory Services, Illumina
Classification: Benign for EAST syndrome. Last evaluated: 2018-01-12. Review status: criteria provided, single submitter. Criteria: ICSL Variant Classification Criteria 13 December 2019. Collection method: clinical testing. Allele origin: germline.
Comment: This variant was observed in the ICSL laboratory as part of a predisposition screen in an ostensibly healthy population. It had not been previously curated by ICSL or reported in the Human Gene Mutation Database (HGMD: prior to June 1st, 2018), and was therefore a candidate for classification through an automated scoring system. Utilizing variant allele frequency, disease prevalence and penetrance estimates, and inheritance mode, an automated score was calculated to assess if this variant is too frequent to cause the disease. Based on the score and internal cut-off values, a variant classified as benign is not then subjected to further curation. The score for this variant resulted in a classification of benign for this disease.